The following is an entry in ClinVar:

NM_001844.5(COL2A1):c.2491G>T (p.Gly831Ter)

Gene: COL2A1 (collagen type II alpha 1 chain; minus strand). Cytogenetic location: 12q13.11.
Variant type: single nucleotide variant.
Coding change: c.2491G>T on transcript NM_001844.5 (MANE Select); coding-DNA position 2491, G replaced by T.
Protein change: p.Gly831Ter; replaces glycine 831 with a stop codon.
Molecular consequence: nonsense.
Genome position (GRCh38, 1-based): chr12:47,980,941, C>A on the plus strand (G>T on the coding strand, the complement: COL2A1 is on the minus strand). VCF-style: chr12-47980941-C-A. GRCh37 (hg19) VCF-style: chr12-48374724-C-A.
Other names: c.2284G>T, p.Gly762Ter (NM_033150.3); short protein forms G831*, G762*.
Identifiers: ClinVar variation 2122966 (VCV002122966.5), dbSNP rs1064796660, ClinGen allele CA384544965.

ClinVar aggregate classification (germline): Pathogenic. Review status: criteria provided, multiple submitters, no conflicts (2 of 4 stars). 2 submissions from 2 submitters: Pathogenic (2). Last evaluated 2022-04-08.

Conditions:
Type 2 collagenopathy. Identifiers: Orphanet 93421, MedGen C2931073, MONDO:0022800.

Submissions (2):

Labcorp Genetics (formerly Invitae), Labcorp
Classification: Pathogenic. Last evaluated: 2022-04-08. Review status: criteria provided, single submitter. Criteria: Invitae Variant Classification Sherloc (09022015). Collection method: clinical testing. Allele origin: germline.
Comment: This sequence change creates a premature translational stop signal (p.Gly831*) in the COL2A1 gene. It is expected to result in an absent or disrupted protein product. Loss-of-function variants in COL2A1 are known to be pathogenic (PMID: 20179744). This variant is not present in population databases (gnomAD no frequency). This variant has not been reported in the literature in individuals affected with COL2A1-related conditions. For these reasons, this variant has been classified as Pathogenic.

Illumina Laboratory Services, Illumina
Classification: Pathogenic for Type 2 collagenopathy. Last evaluated: 2018-06-21. Review status: criteria provided, single submitter. Criteria: ICSLVariantClassificationCriteria RUGD 01 April 2020. Collection method: clinical testing. Allele origin: unknown.
Comment: The COL2A1 c.2491G>T p.(Gly831Ter) nonsense variant is expected to result in the loss of normal protein function through either protein truncation or nonsense-mediated mRNA decay. To our knowledge, this variant has not been reported in the peer-reviewed literature. This variant is not found in the Genome Aggregation Database (version 2.1.1). Based on the available evidence, the c.2491G>T p.(Gly831Ter) variant is classified as pathogenic for COL2A1-related disorders.

Literature cited by the submitters: PubMed 20179744 (cited by Labcorp Genetics (formerly Invitae), Labcorp).